The following is an entry in ClinVar:

NM_004995.4(MMP14):c.1014G>C (p.Glu338Asp)

Gene: MMP14 (matrix metallopeptidase 14; plus strand). Cytogenetic location: 14q11.2.
Variant type: single nucleotide variant.
Coding change: c.1014G>C on transcript NM_004995.4 (MANE Select); coding-DNA position 1014, G replaced by C.
Protein change: p.Glu338Asp; replaces glutamic acid 338 with aspartic acid.
Molecular consequence: missense variant.
Genome position (GRCh38, 1-based): chr14:22,844,373, G>C. VCF-style: chr14-22844373-G-C. GRCh37 (hg19) VCF-style: chr14-23313582-G-C.
Other names: c.1014G>C (NM_004995.2); short protein forms E338D.
Identifiers: ClinVar variation 1931984 (VCV001931984.7), dbSNP rs147241325, ClinGen allele CA388932498.
Genomic context (GRCh38, chr14:22,844,373, plus strand): 5'-AACCAGAGACCTAGGCCGCAAGACATAATGGACTTTTCCTGCATTGACCGGCTTCCAGGA[G>C]CGCTGGTTCTGGCGGGTGAGGAATAACCAAGTGATGGATGGATACCCAATGCCCATTGGC-3'
Protein context (NP_004986.1, residues 328-348): MLRGEMFVFK[Glu338Asp]RWFWRVRNNQ

ClinVar aggregate classification (germline): Uncertain significance. Review status: criteria provided, multiple submitters, no conflicts (2 of 4 stars). 2 submissions from 2 submitters: Uncertain significance (2). Last evaluated 2023-04-05.

Conditions:
Inborn genetic diseases. Identifiers: MedGen C0950123, MeSH D030342.

Submissions (2):

Ambry Genetics
Classification: Uncertain significance for Inborn genetic diseases. Last evaluated: 2023-04-05. Review status: criteria provided, single submitter. Criteria: Ambry Variant Classification Scheme 2023. Collection method: clinical testing. Allele origin: germline.

Labcorp Genetics (formerly Invitae), Labcorp
Classification: Uncertain significance. Last evaluated: 2022-05-31. Review status: criteria provided, single submitter. Criteria: Invitae Variant Classification Sherloc (09022015). Collection method: clinical testing. Allele origin: germline.
Comment: In summary, the available evidence is currently insufficient to determine the role of this variant in disease. Therefore, it has been classified as a Variant of Uncertain Significance. This sequence change replaces glutamic acid, which is acidic and polar, with aspartic acid, which is acidic and polar, at codon 338 of the MMP14 protein (p.Glu338Asp). This variant is not present in population databases (gnomAD no frequency). This variant has not been reported in the literature in individuals affected with MMP14-related conditions. Algorithms developed to predict the effect of missense changes on protein structure and function (SIFT, PolyPhen-2, Align-GVGD) all suggest that this variant is likely to be tolerated.